The following is an entry in ClinVar:

NM_003793.4(CTSF):c.1427C>G (p.Thr476Ser)

Gene: CTSF (cathepsin F; minus strand). Cytogenetic location: 11q13.2.
Variant type: single nucleotide variant.
Coding change: c.1427C>G on transcript NM_003793.4 (MANE Select); coding-DNA position 1427, C replaced by G.
Protein change: p.Thr476Ser; replaces threonine 476 with serine.
Molecular consequence: missense variant.
Genome position (GRCh38, 1-based): chr11:66,563,961, G>C on the plus strand (C>G on the coding strand, the complement: CTSF is on the minus strand). VCF-style: chr11-66563961-G-C. GRCh37 (hg19) VCF-style: chr11-66331432-G-C.
Other names: short protein forms T476S.
Identifiers: ClinVar variation 1772397 (VCV001772397.2), dbSNP rs1004267060, ClinGen allele CA224079737.

ClinVar aggregate classification (germline): Uncertain significance (1 of 4 stars; one submission).

Conditions:
Inborn genetic diseases. Identifiers: MedGen C0950123, MeSH D030342.

Allele frequency attached by ClinVar (database versions not stated): TOPMed below 0.00001; gnomAD 0.00001; gnomAD exomes 0.00003.

Submission:

Ambry Genetics
Classification: Uncertain significance for Inborn genetic diseases. Last evaluated: 2017-06-23. Review status: criteria provided, single submitter. Criteria: Ambry Variant Classification Scheme 2023. Collection method: clinical testing. Allele origin: germline.
Comment: The p.T476S variant (also known as c.1427C>G), located in coding exon 13 of the CTSF gene, results from a C to G substitution at nucleotide position 1427. The threonine at codon 476 is replaced by serine, an amino acid with similar properties. This amino acid position is not well conserved in available vertebrate species. In addition, this alteration is predicted to be tolerated by in silico analysis. Since supporting evidence is limited at this time, the clinical significance of this alteration remains unclear.